The following is an entry in ClinVar:

NM_000548.5(TSC2):c.4005+3G>A

Gene: TSC2 (TSC complex subunit 2; plus strand). Cytogenetic location: 16p13.3.
Variant type: single nucleotide variant.
Coding change: c.4005+3G>A on transcript NM_000548.5 (MANE Select); 3 bases into the intron after coding-DNA position 4005, G replaced by A.
Molecular consequence: intron variant.
Genome position (GRCh38, 1-based): chr16:2,083,819, G>A. VCF-style: chr16-2083819-G-A. GRCh37 (hg19) VCF-style: chr16-2133820-G-A.
Other names: c.2463+3G>A (NM_001406693.1, NM_001406692.1, NM_001406694.1); c.3897+3G>A (NM_001406667.1); c.3894+3G>A (NM_001406668.1); c.3405+3G>A (NM_001406680.1); c.3336+3G>A (NM_001406683.1, NM_001406682.1); c.3204+3G>A (NM_001406687.1, NM_001406688.1); c.2592+3G>A (NM_001406689.1); c.2532+3G>A (NM_001406690.1); and 26 more.
Identifiers: ClinVar variation 3462591 (VCV003462591.1).
Genomic context (GRCh38, chr16:2,083,819, plus strand): 5'-GTTGGAGGACGTTGAGGCAGCGCTAGGCATGGACAGGCGCACGGATGCCTACAGCAGGGT[G>A]AGTGTGGCTCAGAGCCTGGACCCTGCTGACCTCGGGGGGCTCCTTAGGGGAGGCAGGGCT-3'

ClinVar aggregate classification (germline): Uncertain significance (1 of 4 stars; one submission).

Conditions:
Hereditary cancer-predisposing syndrome. Also called: Tumor predisposition; Neoplastic Syndromes, Hereditary; Hereditary neoplastic syndrome; Hereditary Cancer Syndrome. Identifiers: Orphanet 140162, MedGen C0027672, MeSH D009386, MONDO:0015356.

Submission:

Ambry Genetics
Classification: Uncertain significance for Hereditary cancer-predisposing syndrome. Last evaluated: 2024-08-22. Review status: criteria provided, single submitter. Criteria: Ambry Variant Classification Scheme 2023. Collection method: clinical testing. Allele origin: germline.
Comment: The c.4005+3G>A intronic variant results from a G to A substitution 3 nucleotides after coding exon 32 in the TSC2 gene. This nucleotide position is well conserved in available vertebrate species. In silico splice site analysis predicts that this alteration will not have any significant effect on splicing. Based on the available evidence, the clinical significance of this variant remains unclear.